The following is an entry in ClinVar:

NM_001330260.2(SCN8A):c.5738G>A (p.Arg1913Gln)

Gene: SCN8A (sodium voltage-gated channel alpha subunit 8; plus strand). Cytogenetic location: 12q13.13.
Variant type: single nucleotide variant.
Coding change: c.5738G>A on transcript NM_001330260.2 (MANE Select); coding-DNA position 5738, G replaced by A.
Protein change: p.Arg1913Gln; replaces arginine 1913 with glutamine.
Molecular consequence: missense variant.
Genome position (GRCh38, 1-based): chr12:51,807,224, G>A. VCF-style: chr12-51807224-G-A. GRCh37 (hg19) VCF-style: chr12-52201008-G-A.
Other names: c.5615G>A, p.Arg1872Gln (NM_001177984.3, NM_001369788.1); c.5738G>A, p.Arg1913Gln (NM_014191.4); short protein forms R1872Q, R1913Q.
Identifiers: ClinVar variation 2957635 (VCV002957635.5), dbSNP rs1319484809, ClinGen allele CA384889029.

ClinVar aggregate classification (germline): Uncertain significance. Review status: criteria provided, multiple submitters, no conflicts (2 of 4 stars). 2 submissions from 2 submitters: Uncertain significance (2). Last evaluated 2026-05-01.

Conditions:
Early-infantile DEE. Also called: Early infantile epileptic encephalopathy; Ohtahara syndrome; Early infantile epileptic encephalopathy with suppression bursts. Identifiers: Orphanet 1934, MedGen C0393706, MONDO:0800491.

Allele frequency attached by ClinVar (database versions not stated): gnomAD exomes below 0.00001; TOPMed below 0.00001; gnomAD 0.00001.
gnomAD v4.1: 2 of 1,613,820 alleles (0.00012%); highest among the groups gnomAD compares: African/African-American, 0.0013%; no homozygotes.

Submissions (2):

CeGaT Center for Human Genetics Tuebingen
Classification: Uncertain significance. Last evaluated: 2026-05-01. Review status: criteria provided, single submitter. Criteria: CeGaT Center For Human Genetics Tuebingen Variant Classification Criteria Version 2. Collection method: clinical testing. Allele origin: germline. Affected: yes. Observed: 1 variant allele.
Comment: SCN8A: PM5, BP4

Labcorp Genetics (formerly Invitae), Labcorp
Classification: Uncertain significance for Early-infantile DEE. Last evaluated: 2023-08-03. Review status: criteria provided, single submitter. Criteria: Invitae Variant Classification Sherloc (09022015). Collection method: clinical testing. Allele origin: germline.
Comment: In summary, the available evidence is currently insufficient to determine the role of this variant in disease. Therefore, it has been classified as a Variant of Uncertain Significance. Advanced modeling of protein sequence and biophysical properties (such as structural, functional, and spatial information, amino acid conservation, physicochemical variation, residue mobility, and thermodynamic stability) performed at Invitae indicates that this missense variant is not expected to disrupt SCN8A protein function. This variant has not been reported in the literature in individuals affected with SCN8A-related conditions. This variant is not present in population databases (gnomAD no frequency). This sequence change replaces arginine, which is basic and polar, with glutamine, which is neutral and polar, at codon 1913 of the SCN8A protein (p.Arg1913Gln).